The following is an entry in ClinVar:

ClinVar aggregate classification (germline): Uncertain significance (1 of 4 stars; one submission).

Submission:

Labcorp Genetics (formerly Invitae), Labcorp
Classification: Uncertain significance. Last evaluated: 2021-06-08. Review status: criteria provided, single submitter. Criteria: Invitae Variant Classification Sherloc (09022015). Collection method: clinical testing. Allele origin: germline.
Comment: This sequence change replaces isoleucine with threonine at codon 1667 of the FAT4 protein (p.Ile1667Thr). The isoleucine residue is highly conserved and there is a moderate physicochemical difference between isoleucine and threonine. This variant is not present in population databases (ExAC no frequency). This variant has not been reported in the literature in individuals with FAT4-related conditions. Advanced modeling of protein sequence and biophysical properties (such as structural, functional, and spatial information, amino acid conservation, physicochemical variation, residue mobility, and thermodynamic stability) performed at Invitae indicates that this missense variant is not expected to disrupt FAT4 protein function. In summary, the available evidence is currently insufficient to determine the role of this variant in disease. Therefore, it has been classified as a Variant of Uncertain Significance.

NM_001291303.3(FAT4):c.5000T>C (p.Ile1667Thr)

Gene: FAT4 (FAT atypical cadherin 4; plus strand). Cytogenetic location: 4q28.1.
Variant type: single nucleotide variant.
Coding change: c.5000T>C on transcript NM_001291303.3 (MANE Select); coding-DNA position 5000, T replaced by C.
Protein change: p.Ile1667Thr; replaces isoleucine 1667 with threonine.
Molecular consequence: missense variant.
Genome position (GRCh38, 1-based): chr4:125,321,411, T>C. VCF-style: chr4-125321411-T-C. GRCh37 (hg19) VCF-style: chr4-126242566-T-C.
Other names: c.5000T>C, p.Ile1667Thr (NM_001291285.3, NM_024582.6); short protein forms I1667T.
Identifiers: ClinVar variation 1489262 (VCV001489262.8), dbSNP rs2125946113, ClinGen allele CA358129376.